The following is an entry in ClinVar:

ClinVar aggregate classification (germline): Uncertain significance (1 of 4 stars; one submission).

Conditions:
Primary dilated cardiomyopathy (DCM). Also called: Dilated Cardiomyopathy. Identifiers: Orphanet 217604, MedGen C0007193, MeSH D002311, MONDO:0005021, HP:0001644. Inheritance: Various modes of inheritance.

Submission:

Labcorp Genetics (formerly Invitae), Labcorp
Classification: Uncertain significance for Primary dilated cardiomyopathy. Last evaluated: 2023-10-14. Review status: criteria provided, single submitter. Criteria: Invitae Variant Classification Sherloc (09022015). Collection method: clinical testing. Allele origin: germline.
Comment: This sequence change replaces serine, which is neutral and polar, with arginine, which is basic and polar, at codon 122 of the NEBL protein (p.Ser122Arg). This variant is not present in population databases (gnomAD no frequency). This variant has not been reported in the literature in individuals affected with NEBL-related conditions. An algorithm developed to predict the effect of missense changes on protein structure and function (PolyPhen-2) suggests that this variant is likely to be disruptive. In summary, the available evidence is currently insufficient to determine the role of this variant in disease. Therefore, it has been classified as a Variant of Uncertain Significance.

NM_006393.3(NEBL):c.366T>A (p.Ser122Arg)

Gene: NEBL (nebulette; minus strand). Cytogenetic location: 10p12.31.
Variant type: single nucleotide variant.
Coding change: c.366T>A on transcript NM_006393.3 (MANE Select); coding-DNA position 366, T replaced by A.
Protein change: p.Ser122Arg; replaces serine 122 with arginine.
Molecular consequence: missense variant. On other transcripts: intron variant (9).
Genome position (GRCh38, 1-based): chr10:20,888,100, A>T on the plus strand (T>A on the coding strand, the complement: NEBL is on the minus strand). VCF-style: chr10-20888100-A-T. GRCh37 (hg19) VCF-style: chr10-21177029-A-T.
Other names: c.249+73572T>A (NM_001377326.1, NM_001377327.1, NM_001377328.1); c.357+73572T>A (NM_213569.2, NM_001173484.2, NM_001377322.1); c.300+73572T>A (NM_001377324.1); c.291+73572T>A (NM_001377325.1); c.309+73572T>A (NM_001377323.1); short protein forms S122R.
Identifiers: ClinVar variation 2768328 (VCV002768328.3), dbSNP rs2492541213, ClinGen allele CA376095907.